The following is an entry in ClinVar:

NM_152542.5(PPM1K):c.209G>A (p.Arg70His)

Gene: PPM1K (protein phosphatase, Mg2+/Mn2+ dependent 1K; minus strand). Cytogenetic location: 4q22.1.
Variant type: single nucleotide variant.
Coding change: c.209G>A on transcript NM_152542.5 (MANE Select); coding-DNA position 209, G replaced by A.
Protein change: p.Arg70His; replaces arginine 70 with histidine.
Molecular consequence: missense variant.
Genome position (GRCh38, 1-based): chr4:88,278,375, C>T on the plus strand (G>A on the coding strand, the complement: PPM1K is on the minus strand). VCF-style: chr4-88278375-C-T. GRCh37 (hg19) VCF-style: chr4-89199527-C-T.
Other names: short protein forms R70H.
Identifiers: ClinVar variation 2714370 (VCV002714370.3), dbSNP rs146041562, ClinGen allele CA3005344.

ClinVar aggregate classification (germline): Uncertain significance (1 of 4 stars; one submission).

Conditions:
Maple syrup urine disease, mild variant (MSUDMV). Identifiers: Orphanet 511, MedGen C3554575, MONDO:0014057, OMIM 615135.

Allele frequency attached by ClinVar (database versions not stated): ExAC 0.00013; ESP Exome Variant Server 0.00015; 1000 Genomes Project 0.00020; 1000 Genomes Project 30x 0.00031.
gnomAD v4.1: 61 of 1,614,168 alleles (0.0038%); highest among the groups gnomAD compares: African/African-American, 0.028%; no homozygotes.

Submission:

Labcorp Genetics (formerly Invitae), Labcorp
Classification: Uncertain significance for Maple syrup urine disease, mild variant. Last evaluated: 2023-08-14. Review status: criteria provided, single submitter. Criteria: Invitae Variant Classification Sherloc (09022015). Collection method: clinical testing. Allele origin: germline.
Comment: This sequence change replaces arginine, which is basic and polar, with histidine, which is basic and polar, at codon 70 of the PPM1K protein (p.Arg70His). This variant is present in population databases (rs146041562, gnomAD 0.04%). This variant has not been reported in the literature in individuals affected with PPM1K-related conditions. An algorithm developed to predict the effect of missense changes on protein structure and function (PolyPhen-2) suggests that this variant is likely to be disruptive. In summary, the available evidence is currently insufficient to determine the role of this variant in disease. Therefore, it has been classified as a Variant of Uncertain Significance.